The following is an entry in ClinVar:

NM_001329943.3(KIAA0586):c.1508A>G (p.Glu503Gly)

Gene: KIAA0586 (KIAA0586; plus strand). Cytogenetic location: 14q23.1.
Variant type: single nucleotide variant.
Coding change: c.1508A>G on transcript NM_001329943.3 (MANE Select); coding-DNA position 1508, A replaced by G.
Protein change: p.Glu503Gly; replaces glutamic acid 503 with glycine.
Molecular consequence: missense variant.
Genome position (GRCh38, 1-based): chr14:58,457,904, A>G. VCF-style: chr14-58457904-A-G. GRCh37 (hg19) VCF-style: chr14-58924622-A-G.
Other names: c.1667A>G, p.Glu556Gly (NM_001244189.2); c.1463A>G, p.Glu488Gly (NM_001244190.2); c.1253A>G, p.Glu418Gly (NM_001244191.2, NM_001329945.2, NM_001364700.1 and 1 more transcripts); c.1376A>G, p.Glu459Gly (NM_001244192.2); c.1088A>G, p.Glu363Gly (NM_001244193.2); c.1508A>G, p.Glu503Gly (NM_001329944.2, NM_001329946.2, NM_001329947.2 and 1 more transcripts); short protein forms E363G, E488G, E503G, E418G, E459G, E556G.
Identifiers: ClinVar variation 1990905 (VCV001990905.4), dbSNP rs2543096562, ClinGen allele CA389868578.

ClinVar aggregate classification (germline): Uncertain significance (1 of 4 stars; one submission).

Conditions:
Short-rib thoracic dysplasia 14 with polydactyly (SRTD14). Identifiers: Orphanet 397715, MedGen C4225286, MONDO:0014688, OMIM 616546.
Joubert syndrome 23 (JBTS23). Identifiers: Orphanet 475, MedGen C4084822, MONDO:0014664, OMIM 616490.

Allele frequency attached by ClinVar (database versions not stated): gnomAD exomes below 0.00001.
gnomAD v4.1: 2 of 1,606,364 alleles (0.00012%); highest among the groups gnomAD compares: Non-Finnish European, 0.00017%; no homozygotes.

Submission:

Labcorp Genetics (formerly Invitae), Labcorp
Classification: Uncertain significance for Joubert syndrome 23; Short-rib thoracic dysplasia 14 with polydactyly. Last evaluated: 2023-12-11. Review status: criteria provided, single submitter. Criteria: Invitae Variant Classification Sherloc (09022015). Collection method: clinical testing. Allele origin: germline.
Comment: This sequence change replaces glutamic acid, which is acidic and polar, with glycine, which is neutral and non-polar, at codon 556 of the KIAA0586 protein (p.Glu556Gly). This variant is not present in population databases (gnomAD no frequency). This variant has not been reported in the literature in individuals affected with KIAA0586-related conditions. ClinVar contains an entry for this variant (Variation ID: 1990905). Advanced modeling of protein sequence and biophysical properties (such as structural, functional, and spatial information, amino acid conservation, physicochemical variation, residue mobility, and thermodynamic stability) performed at Invitae indicates that this missense variant is expected to disrupt KIAA0586 protein function with a positive predictive value of 80%. In summary, the available evidence is currently insufficient to determine the role of this variant in disease. Therefore, it has been classified as a Variant of Uncertain Significance.